The following is an entry in ClinVar:

ClinVar aggregate classification (germline): Likely benign. Review status: criteria provided, multiple submitters, no conflicts (2 of 4 stars). 5 submissions from 5 submitters: Likely benign (5). Last evaluated 2026-01-24.

Conditions:
Hypertrophic cardiomyopathy 4. Also called: Familial hypertrophic cardiomyopathy 4. Identifiers: MedGen C1861862, MONDO:0007268, OMIM 115197.
Left ventricular noncompaction 10 (LVNC10). Identifiers: Orphanet 154, Orphanet 54260, MedGen C3715165, MONDO:0014163, OMIM 615396.
Cardiomyopathy (CMYO). Also called: Cardiomyopathies. Identifiers: Orphanet 167848, MedGen C0878544, MONDO:0004994, HP:0001638. Inheritance: Various modes of inheritance.
Hypertrophic cardiomyopathy. Also called: HYPERTROPHIC MYOCARDIOPATHY. Identifiers: Orphanet 217569, MedGen C0007194, MeSH D002312, MONDO:0005045, HP:0001639.

Allele frequency attached by ClinVar (database versions not stated): TOPMed 0.00002.
gnomAD v4.1: 14 of 1,612,588 alleles (0.00087%); highest among the groups gnomAD compares: African/African-American, 0.0027%; no homozygotes.

Submissions (5):

Labcorp Genetics (formerly Invitae), Labcorp
Classification: Likely benign for Hypertrophic cardiomyopathy. Last evaluated: 2026-01-24. Review status: criteria provided, single submitter. Criteria: Invitae Variant Classification Sherloc (09022015). Collection method: clinical testing. Allele origin: germline.

All of Us Research Program, National Institutes of Health
Classification: Likely benign for Hypertrophic cardiomyopathy. Last evaluated: 2023-08-25. Review status: criteria provided, single submitter. Criteria: ACMG Guidelines, 2015. Collection method: clinical testing. Allele origin: germline. Inheritance: Autosomal dominant inheritance. Observed: 2 variant alleles, 2 heterozygotes.
Comment: This study involves interpretation of variants in research participants for the purpose of population health screening. Participant phenotype was not available at the time of variant classification. Additional details can be found in publication PMID: 35346344, PMCID: PMC8962531

Fulgent Genetics
Classification: Likely benign for Hypertrophic cardiomyopathy 4; Left ventricular noncompaction 10. Last evaluated: 2021-08-11. Review status: criteria provided, single submitter. Criteria: ACMG Guidelines, 2015. Collection method: clinical testing. Allele origin: unknown.

Color Diagnostics, LLC DBA Color Health
Classification: Likely benign for Cardiomyopathy. Last evaluated: 2021-07-06. Review status: criteria provided, single submitter. Criteria: ACMG Guidelines, 2015. Collection method: clinical testing. Allele origin: germline.

Laboratory for Molecular Medicine, Mass General Brigham Personalized Medicine
Classification: Likely benign. Last evaluated: 2010-04-09. Review status: criteria provided, single submitter. Criteria: LMM Criteria. Collection method: clinical testing. Allele origin: germline. Observed: 1 variant allele.

NM_000256.3(MYBPC3):c.2784G>A (p.Ser928=)

Gene: MYBPC3 (myosin binding protein C3; minus strand). Cytogenetic location: 11p11.2.
Variant type: single nucleotide variant.
Coding change: c.2784G>A on transcript NM_000256.3 (MANE Select); coding-DNA position 2784, G replaced by A.
Protein change: p.Ser928=; no amino-acid change (serine 928 retained).
Molecular consequence: synonymous variant.
Genome position (GRCh38, 1-based): chr11:47,335,163, C>T on the plus strand (G>A on the coding strand, the complement: MYBPC3 is on the minus strand). VCF-style: chr11-47335163-C-T. GRCh37 (hg19) VCF-style: chr11-47356714-C-T.
Identifiers: ClinVar variation 42657 (VCV000042657.10), dbSNP rs372510974, ClinGen allele CA012969.
Genomic context (GRCh38, chr11:47,335,163, plus strand): 5'-ATTGTGTGCCCGCACTCGGAAAAGCAGCCGGGCCCCCGTGGGCAGGTCCTTCACCAGTAT[C>T]GATGTGTGCTCTGTCAGCCCCTGCAGGGCAGCCACCCACTCTGAGCCTGGGGGTGGGGAG-3'
Protein context (NP_000247.2, residues 918-938): AALQGLTEHT[Ser928=]ILVKDLPTGA